The following is an entry in ClinVar:

NM_000398.7(CYB5R3):c.830dup (p.Pro278fs)

Gene: CYB5R3 (cytochrome b5 reductase 3; minus strand). Cytogenetic location: 22q13.2.
Variant type: Duplication.
Coding change: c.830dup on transcript NM_000398.7 (MANE Select); coding-DNA position 830, one base duplicated (C; older notation c.830dupC).
Protein change: p.Pro278fs; shifts the reading frame from proline 278.
Molecular consequence: frameshift variant.
Genome position (GRCh38, 1-based): chr22:42,619,849, G duplicated on the plus strand (C on the coding strand, the reverse complement: CYB5R3 is on the minus strand); the first of 6 consecutive G bases (chr22:42,619,849-42,619,854); duplicating any one gives the same sequence. VCF-style (leftmost placement, unchanged base first): chr22-42619848-T-TG. GRCh37 (hg19) VCF-style: chr22-43015854-T-TG.
Other names: Codon 274/275/276 +C; c.761dup, p.Pro255fs (NM_001129819.2, NM_001171661.1, NM_007326.4); c.929dup, p.Pro311fs (NM_001171660.2); c.830dup (NM_000398.6); short protein forms P255fs, P278fs, P311fs.
Identifiers: ClinVar variation 1174130 (VCV001174130.2), dbSNP rs750819571, ClinGen allele CA10269568.

ClinVar aggregate classification (germline): Likely pathogenic. Review status: criteria provided, single submitter (1 of 4 stars). 2 submissions from 2 submitters: Likely pathogenic (1). 1 of the submissions does not count toward it. Last evaluated 2024-05-20.

Conditions:
Deficiency of cytochrome-b5 reductase. Also called: METHEMOGLOBINEMIA, CONGENITAL, AUTOSOMAL RECESSIVE; NADH-DEPENDENT METHEMOGLOBIN REDUCTASE DEFICIENCY. Identifiers: Orphanet 621, MedGen C0268193, MONDO:0009606, OMIM 250800.

Submissions (2):

GeneDx
Classification: Likely pathogenic. Last evaluated: 2024-05-20. Review status: criteria provided, single submitter. Criteria: GeneDx Variant Classification Process June 2021. Collection method: clinical testing. Allele origin: germline. Affected: yes.
Comment: Frameshift variant predicted to result in abnormal protein length as the last 24 amino acids are replaced with 90 different amino acids, and other similar variants have been reported in HGMD; Not observed at significant frequency in large population cohorts (gnomAD); This variant is associated with the following publications: (PMID: 35064402)

Hb Lab, Kinderklinik Ulm, University Hospital Ulm
Classification: Pathogenic for Deficiency of cytochrome-b5 reductase. Last evaluated: 2021-06-23. Review status: no assertion criteria provided. Collection method: clinical testing. Allele origin: inherited. Inheritance: Autosomal recessive inheritance. Affected: yes. Observed: 1 variant allele, 1 compound heterozygote. Not counted in ClinVar's aggregate classification.
Comment: The c.830dupC duplication in CYB5R3 has been found in 2 children of 2 unrelated german families. Both children presented increased levels of methemoglobin and reduced NADH-cytochrome b5 reductase activity in blood. Sequencing of DNA from blood revealed the c.830dupC duplication and a second missense mutation (compund heterozygotes) in both children. The second one is still beeing evaluated (june 2021).